The following is an entry in ClinVar:

ClinVar aggregate classification (germline): Uncertain significance. Review status: criteria provided, multiple submitters, no conflicts (2 of 4 stars). 2 submissions from 2 submitters: Uncertain significance (2). Last evaluated 2021-07-16.

Conditions:
Gorlin syndrome. Also called: Basal cell nevus syndrome; Nevoid Basal Cell Carcinoma Syndrome. Identifiers: Orphanet 377, MedGen C0004779, MONDO:0007187.
Hereditary cancer-predisposing syndrome. Also called: Hereditary Cancer Syndrome; Neoplastic Syndromes, Hereditary; Tumor predisposition; Hereditary neoplastic syndrome. Identifiers: Orphanet 140162, MedGen C0027672, MeSH D009386, MONDO:0015356.

Submissions (2):

Ambry Genetics
Classification: Uncertain significance for Hereditary cancer-predisposing syndrome. Last evaluated: 2021-07-16. Review status: criteria provided, single submitter. Criteria: Ambry Variant Classification Scheme 2023. Collection method: clinical testing. Allele origin: germline.
Comment: The p.R942P variant (also known as c.2825G>C), located in coding exon 17 of the PTCH1 gene, results from a G to C substitution at nucleotide position 2825. The arginine at codon 942 is replaced by proline, an amino acid with dissimilar properties. This amino acid position is highly conserved in available vertebrate species. In addition, this alteration is predicted to be deleterious by in silico analysis. Since supporting evidence is limited at this time, the clinical significance of this alteration remains unclear.

Labcorp Genetics (formerly Invitae), Labcorp
Classification: Uncertain significance for Gorlin syndrome. Last evaluated: 2021-04-26. Review status: criteria provided, single submitter. Criteria: Invitae Variant Classification Sherloc (09022015). Collection method: clinical testing. Allele origin: germline.
Comment: This sequence change replaces arginine with proline at codon 942 of the PTCH1 protein (p.Arg942Pro). The arginine residue is moderately conserved and there is a moderate physicochemical difference between arginine and proline. In summary, the available evidence is currently insufficient to determine the role of this variant in disease. Therefore, it has been classified as a Variant of Uncertain Significance. Algorithms developed to predict the effect of missense changes on protein structure and function are either unavailable or do not agree on the potential impact of this missense change (SIFT: "Tolerated"; PolyPhen-2: "Probably Damaging"; Align-GVGD: "Class C0"). This variant has not been reported in the literature in individuals with PTCH1-related conditions. This variant is not present in population databases (ExAC no frequency).

NM_000264.5(PTCH1):c.2825G>C (p.Arg942Pro)

Gene: PTCH1 (patched 1; minus strand). Cytogenetic location: 9q22.32.
Variant type: single nucleotide variant.
Coding change: c.2825G>C on transcript NM_000264.5 (MANE Select); coding-DNA position 2825, G replaced by C.
Protein change: p.Arg942Pro; replaces arginine 942 with proline.
Molecular consequence: missense variant. On other transcripts: non-coding transcript variant (1).
Genome position (GRCh38, 1-based): chr9:95,459,662, C>G on the plus strand (G>C on the coding strand, the complement: PTCH1 is on the minus strand). VCF-style: chr9-95459662-C-G. GRCh37 (hg19) VCF-style: chr9-98221944-C-G.
Other names: c.2627G>C, p.Arg876Pro (NM_001083602.3); c.2822G>C, p.Arg941Pro (NM_001083603.3); c.2372G>C, p.Arg791Pro (NM_001083604.3, NM_001083605.3, NM_001083606.3 and 1 more transcripts); c.2669G>C, p.Arg890Pro (NM_001354918.2); short protein forms R890P, R941P, R942P, R791P, R876P.
Identifiers: ClinVar variation 1349111 (VCV001349111.10), dbSNP rs767225445, ClinGen allele CA374113001.